The following is an entry in ClinVar:

NM_001378454.1(ALMS1):c.11054G>A (p.Ser3685Asn)

Gene: ALMS1 (ALMS1 centrosome and basal body associated protein; plus strand). Cytogenetic location: 2p13.1.
Variant type: single nucleotide variant.
Coding change: c.11054G>A on transcript NM_001378454.1 (MANE Select); coding-DNA position 11054, G replaced by A.
Protein change: p.Ser3685Asn; replaces serine 3685 with asparagine.
Molecular consequence: missense variant.
Genome position (GRCh38, 1-based): chr2:73,572,931, G>A. VCF-style: chr2-73572931-G-A. GRCh37 (hg19) VCF-style: chr2-73800058-G-A.
Other names: c.11057G>A, p.Ser3686Asn (NM_015120.4); short protein forms S3686N, S3685N.
Identifiers: ClinVar variation 235452 (VCV000235452.33), dbSNP rs11896293, ClinGen allele CA1715111.

ClinVar aggregate classification (germline): Benign. Review status: criteria provided, multiple submitters, no conflicts (2 of 4 stars). 13 submissions from 13 submitters: Benign (10). 3 of the submissions do not count toward it. Last evaluated 2026-02-04.

Conditions:
Cardiovascular phenotype. Identifiers: MedGen CN230736.
Monogenic diabetes. Identifiers: Orphanet 183625, MedGen C3888631, MONDO:0015967.
Alstrom syndrome (ALMS). Identifiers: Orphanet 64, MedGen C0268425, MONDO:0008763, OMIM 203800.

Allele frequency attached by ClinVar (database versions not stated): gnomAD exomes 0.00218 and 0.00536; ExAC 0.00664; gnomAD 0.02143 and 0.02293; ESP Exome Variant Server 0.02296; TOPMed 0.02372; 1000 Genomes Project 0.02536; 1000 Genomes Project 30x 0.02717.
gnomAD v4.1: 6,585 of 1,613,996 alleles (0.41%); highest among the groups gnomAD compares: African/African-American, 7.5%; 231 homozygotes.

Submissions (13):

Labcorp Genetics (formerly Invitae), Labcorp
Classification: Benign for Alstrom syndrome. Last evaluated: 2026-02-04. Review status: criteria provided, single submitter. Criteria: Invitae Variant Classification Sherloc (09022015). Collection method: clinical testing. Allele origin: germline.

ARUP Laboratories, Molecular Genetics and Genomics, ARUP Laboratories
Classification: Benign for Alstrom syndrome. Last evaluated: 2025-07-08. Review status: criteria provided, single submitter. Criteria: ARUP Molecular Germline Variant Investigation Process 2024. Collection method: clinical testing. Allele origin: germline.

Athena Diagnostics
Classification: Benign. Last evaluated: 2019-03-21. Review status: criteria provided, single submitter. Criteria: Athena Diagnostics Criteria. Collection method: clinical testing. Allele origin: germline.

Personalized Diabetes Medicine Program, University of Maryland School of Medicine
Classification: Benign for Monogenic diabetes. Last evaluated: 2019-02-08. Review status: criteria provided, single submitter. Criteria: ACMG Guidelines, 2015. Collection method: research. Allele origin: unknown. Observed: 18 variant alleles, 17 heterozygotes, 1 homozygote.
Comment: ACMG criteria: BP4 (REVEL score 0.034 + 8 predictors), BA1 (7.4% in gnomAD African) , BS2(70 homozygotes in gnomAD), BP1 (missense when truncating causes disease)= benign

Ambry Genetics
Classification: Benign for Cardiovascular phenotype. Last evaluated: 2019-01-07. Review status: criteria provided, single submitter. Criteria: Ambry Variant Classification Scheme 2023. Collection method: clinical testing. Allele origin: germline.

GeneDx
Classification: Benign. Last evaluated: 2016-10-11. Review status: criteria provided, single submitter. Criteria: GeneDx Variant Classification (06012015). Collection method: clinical testing. Allele origin: germline. Affected: yes.
Comment: This variant is considered likely benign or benign based on one or more of the following criteria: it is a conservative change, it occurs at a poorly conserved position in the protein, it is predicted to be benign by multiple in silico algorithms, and/or has population frequency not consistent with disease.

Laboratory for Molecular Medicine, Mass General Brigham Personalized Medicine
Classification: Benign. Last evaluated: 2016-03-21. Review status: criteria provided, single submitter. Criteria: LMM Criteria. Collection method: clinical testing. Allele origin: germline. Observed: 6 variant alleles.
Comment: p.Ser3684Asn in exon 16 of ALMS1: This variant is not expected to have clinical significance because it has been identified in 7.58% (734/9688) of African chrom osomes by the Exome Aggregation Consortium (ExAC ; dbSNP rs11896293).

Center for Pediatric Genomic Medicine, Children's Mercy Hospital and Clinics
Classification: Benign. Last evaluated: 2015-06-04. Review status: criteria provided, single submitter. Criteria: ACMG Guidelines, 2015. Collection method: clinical testing. Allele origin: germline.

Breakthrough Genomics
Classification: Benign. Review status: criteria provided, single submitter. Criteria: ACMG Guidelines, 2015. Collection method: not provided. Allele origin: germline. Inheritance: Autosomal recessive inheritance. Affected: yes.

Clinical Genomics, Uppaluri K&H Personalized Medicine Clinic
Classification: Benign for Alstrom syndrome. Review status: criteria provided, single submitter. Criteria: K & H Uppaluri Personalized Medicine Clinic Variant Classification & Assertion Criteria_Updated V.1. Collection method: research. Allele origin: unknown. Inheritance: Autosomal recessive inheritance.
Comment: Potent mutations in ALMS1 are associated with a rare condition called Alstrom syndrome. It can cause excessive eating, insulin resistance. However, no evidence is found to ascertain the role of rs11896293 in Alstrom syndrome yet.

Natera, Inc.
Classification: Benign for Alstrom syndrome. Last evaluated: 2020-09-16. Review status: no assertion criteria provided. Collection method: clinical testing. Allele origin: germline. Not counted in ClinVar's aggregate classification.

Genome Diagnostics Laboratory, University Medical Center Utrecht
Classification: Benign. Review status: no assertion criteria provided. Collection method: clinical testing. Allele origin: germline. Affected: yes. Study: VKGL Data-share Consensus. Not counted in ClinVar's aggregate classification.

Laboratory of Diagnostic Genome Analysis, Leiden University Medical Center (LUMC)
Classification: Likely benign. Review status: no assertion criteria provided. Collection method: clinical testing. Allele origin: germline. Affected: yes. Study: VKGL Data-share Consensus. Not counted in ClinVar's aggregate classification.

Literature cited by the submitters: PubMed 34148947 (cited by Clinical Genomics, Uppaluri K&H Personalized Medicine Clinic); PubMed 25846608 (cited by Clinical Genomics, Uppaluri K&H Personalized Medicine Clinic); PubMed 30421101 (cited by Clinical Genomics, Uppaluri K&H Personalized Medicine Clinic); PubMed 33669459 (cited by Clinical Genomics, Uppaluri K&H Personalized Medicine Clinic).